The following is an entry in ClinVar:

NM_001145319.2(PLS1):c.888+5A>G

Gene: PLS1 (plastin 1; plus strand). Cytogenetic location: 3q23.
Variant type: single nucleotide variant.
Coding change: c.888+5A>G on transcript NM_001145319.2 (MANE Select); 5 bases into the intron after coding-DNA position 888, A replaced by G.
Molecular consequence: intron variant.
Genome position (GRCh38, 1-based): chr3:142,684,400, A>G. VCF-style: chr3-142684400-A-G. GRCh37 (hg19) VCF-style: chr3-142403242-A-G.
Other names: c.888+5A>G (NM_002670.3, NM_001172312.2).
Identifiers: ClinVar variation 791956 (VCV000791956.9), dbSNP rs73002070, ClinGen allele CA2651148.

ClinVar aggregate classification (germline): Benign. Review status: criteria provided, multiple submitters, no conflicts (2 of 4 stars). 5 submissions from 5 submitters: Benign (4). 1 of the submissions does not count toward it. Last evaluated 2024-07-04.

Conditions:
PLS1-related disorder. Also called: PLS1-related condition.

Allele frequency attached by ClinVar (database versions not stated): gnomAD exomes 0.00208 and 0.00553; 1000 Genomes Project 0.02216; 1000 Genomes Project 30x 0.02530; ExAC 0.00688; ESP Exome Variant Server 0.02314; gnomAD 0.02087 and 0.02239; TOPMed 0.02425.
gnomAD v4.1: 6,304 of 1,608,762 alleles (0.39%); highest among the groups gnomAD compares: African/African-American, 7.5%; 214 homozygotes.

Submissions (5):

Mayo Clinic Laboratories, Mayo Clinic
Classification: Benign. Last evaluated: 2024-07-04. Review status: criteria provided, single submitter. Criteria: ACMG Guidelines, 2015. Collection method: clinical testing. Allele origin: germline. Observed: 2 variant alleles.

GeneDx
Classification: Benign. Last evaluated: 2021-05-05. Review status: criteria provided, single submitter. Criteria: GeneDx Variant Classification Process June 2021. Collection method: clinical testing. Allele origin: germline. Affected: yes.

Labcorp Genetics (formerly Invitae), Labcorp
Classification: Benign. Last evaluated: 2018-05-18. Review status: criteria provided, single submitter. Criteria: Invitae Variant Classification Sherloc (09022015). Collection method: clinical testing. Allele origin: germline.

Breakthrough Genomics
Classification: Benign. Review status: criteria provided, single submitter. Criteria: ACMG Guidelines, 2015. Collection method: not provided. Allele origin: germline. Inheritance: Autosomal dominant inheritance. Affected: yes.

PreventionGenetics, part of Exact Sciences
Classification: Benign for PLS1-related condition. Last evaluated: 2019-11-20. Review status: no assertion criteria provided. Collection method: clinical testing. Allele origin: germline. Not counted in ClinVar's aggregate classification.
Comment: This variant is classified as benign based on ACMG/AMP sequence variant interpretation guidelines (Richards et al. 2015 PMID: 25741868, with internal and published modifications).